The following is an entry in ClinVar:

ClinVar aggregate classification (germline): Likely pathogenic (1 of 4 stars; one submission).

Conditions:
DIS3L2-related disorder. Also called: DIS3L2-related condition.

Submission:

PreventionGenetics, part of Exact Sciences
Classification: Likely pathogenic for DIS3L2-related condition. Last evaluated: 2023-05-09. Review status: criteria provided, single submitter. Criteria: ACMG Guidelines, 2015. Collection method: clinical testing. Allele origin: germline.
Comment: The DIS3L2 c.2248C>T variant is predicted to result in premature protein termination (p.Gln750*). To our knowledge, this variant has not been reported in the literature or in a large population database, indicating this variant is rare. Nonsense variants in DIS3L2 are expected to be pathogenic. This variant is interpreted as likely pathogenic.

NM_152383.5(DIS3L2):c.2248C>T (p.Gln750Ter)

Gene: DIS3L2 (DIS3 like 3'-5' exoribonuclease 2; plus strand). Cytogenetic location: 2q37.1.
Variant type: single nucleotide variant.
Coding change: c.2248C>T on transcript NM_152383.5 (MANE Select); coding-DNA position 2248, C replaced by T.
Protein change: p.Gln750Ter; replaces glutamine 750 with a stop codon.
Molecular consequence: nonsense. On other transcripts: non-coding transcript variant (2), intron variant (1).
Genome position (GRCh38, 1-based): chr2:232,334,458, C>T. VCF-style: chr2-232334458-C-T. GRCh37 (hg19) VCF-style: chr2-233199168-C-T.
Other names: c.1582-8887C>T (NM_001257281.2); short protein forms Q750*.
Identifiers: ClinVar variation 2632793 (VCV002632793.1), dbSNP rs1695875453, ClinGen allele CA350977793.